The following is an entry in ClinVar:

Conditions:
Long QT syndrome 5 (LQT5). Identifiers: Orphanet 101016, Orphanet 768, MedGen C1867904, MONDO:0013372, OMIM 613695.

Submission:

Roden Lab, Vanderbilt University Medical Center
No classification provided (evidence only). Condition: Long QT syndrome 5. Review status: no classification provided. Collection method: in vitro. Allele origin: not applicable. Functional consequence: Effect on ion channel function.
ClinVar note: "not provided" was previously submitted as the classification for the variant. However, the classification appeared to be based only on an observation of functional data so it was converted to no classification on 2025-07-30.

NM_000219.6(KCNE1):c.258C>A (p.Ala86=)

Gene: KCNE1 (potassium voltage-gated channel subfamily E regulatory subunit 1; minus strand). Cytogenetic location: 21q22.12.
Variant type: single nucleotide variant.
Coding change: c.258C>A on transcript NM_000219.6 (MANE Select); coding-DNA position 258, C replaced by A.
Protein change: p.Ala86=; no amino-acid change (alanine 86 retained).
Molecular consequence: synonymous variant.
Genome position (GRCh38, 1-based): chr21:34,449,377, G>T on the plus strand (C>A on the coding strand, the complement: KCNE1 is on the minus strand). VCF-style: chr21-34449377-G-T. GRCh37 (hg19) VCF-style: chr21-35821675-G-T.
Other names: c.258C>A, p.Ala86= (NM_001127668.4, NM_001127669.4, NM_001127670.4 and 4 more transcripts).
Identifiers: ClinVar variation 3374459 (VCV003374459.2).